The following is an entry in ClinVar:

ClinVar aggregate classification (germline): Uncertain significance. Review status: criteria provided, multiple submitters, no conflicts (2 of 4 stars). 2 submissions from 2 submitters: Uncertain significance (2). Last evaluated 2024-06-12.

Conditions:
Hereditary cancer-predisposing syndrome. Also called: Hereditary neoplastic syndrome; Neoplastic Syndromes, Hereditary; Tumor predisposition; Hereditary Cancer Syndrome. Identifiers: Orphanet 140162, MedGen C0027672, MeSH D009386, MONDO:0015356.
Neuroblastoma, susceptibility to, 3. Also called: ALK-Related Neuroblastic Tumor Susceptibility. Identifiers: Orphanet 635, MedGen C2751681, MONDO:0013083, OMIM 613014.

Allele frequency attached by ClinVar (database versions not stated): TOPMed below 0.00001.

Submissions (2):

Ambry Genetics
Classification: Uncertain significance for Hereditary cancer-predisposing syndrome. Last evaluated: 2024-06-12. Review status: criteria provided, single submitter. Criteria: Ambry Variant Classification Scheme 2023. Collection method: clinical testing. Allele origin: germline.
Comment: The p.L710R variant (also known as c.2129T>G), located in coding exon 12 of the ALK gene, results from a T to G substitution at nucleotide position 2129. The leucine at codon 710 is replaced by arginine, an amino acid with dissimilar properties. This amino acid position is conserved. In addition, the in silico prediction for this alteration is inconclusive. Based on the available evidence, the clinical significance of this variant remains unclear.

Labcorp Genetics (formerly Invitae), Labcorp
Classification: Uncertain significance for Neuroblastoma, susceptibility to, 3. Last evaluated: 2023-07-17. Review status: criteria provided, single submitter. Criteria: Invitae Variant Classification Sherloc (09022015). Collection method: clinical testing. Allele origin: germline.
Comment: This variant has not been reported in the literature in individuals affected with ALK-related conditions. This variant is not present in population databases (gnomAD no frequency). This sequence change replaces leucine, which is neutral and non-polar, with arginine, which is basic and polar, at codon 710 of the ALK protein (p.Leu710Arg). In summary, the available evidence is currently insufficient to determine the role of this variant in disease. Therefore, it has been classified as a Variant of Uncertain Significance. An algorithm developed to predict the effect of missense changes on protein structure and function (PolyPhen-2) suggests that this variant is likely to be tolerated. ClinVar contains an entry for this variant (Variation ID: 1000590).

NM_004304.5(ALK):c.2129T>G (p.Leu710Arg)

Gene: ALK (ALK receptor tyrosine kinase; minus strand). Cytogenetic location: 2p23.2.
Variant type: single nucleotide variant.
Coding change: c.2129T>G on transcript NM_004304.5 (MANE Select); coding-DNA position 2129, T replaced by G.
Protein change: p.Leu710Arg; replaces leucine 710 with arginine.
Molecular consequence: missense variant.
Genome position (GRCh38, 1-based): chr2:29,251,180, A>C on the plus strand (T>G on the coding strand, the complement: ALK is on the minus strand). VCF-style: chr2-29251180-A-C. GRCh37 (hg19) VCF-style: chr2-29474046-A-C.
Other names: c.2129T>G (NM_004304.4); short protein forms L710R.
Identifiers: ClinVar variation 1000590 (VCV001000590.9), dbSNP rs1664807217, ClinGen allele CA346476939.